The following is an entry in ClinVar:

ClinVar aggregate classification (germline): Benign (1 of 4 stars; one submission).

Conditions:
Disorders of Intracellular Cobalamin Metabolism. Identifiers: MedGen CN043592.

Allele frequency attached by ClinVar (database versions not stated): gnomAD 0.00420 and 0.00448; TOPMed 0.00485; 1000 Genomes Project 0.00559; 1000 Genomes Project 30x 0.00609.

Submission:

Illumina Laboratory Services, Illumina
Classification: Benign for Disorders of Intracellular Cobalamin Metabolism. Last evaluated: 2018-01-13. Review status: criteria provided, single submitter. Criteria: ICSL Variant Classification Criteria 13 December 2019. Collection method: clinical testing. Allele origin: germline.
Comment: This variant was observed in the ICSL laboratory as part of a predisposition screen in an ostensibly healthy population. It had not been previously curated by ICSL or reported in the Human Gene Mutation Database (HGMD: prior to June 1st, 2018), and was therefore a candidate for classification through an automated scoring system. Utilizing variant allele frequency, disease prevalence and penetrance estimates, and inheritance mode, an automated score was calculated to assess if this variant is too frequent to cause the disease. Based on the score and internal cut-off values, a variant classified as benign is not then subjected to further curation. The score for this variant resulted in a classification of benign for this disease.

NM_000254.3(MTR):c.*860A>G

Gene: MTR (5-methyltetrahydrofolate-homocysteine methyltransferase; plus strand). Cytogenetic location: 1q43.
Variant type: single nucleotide variant.
Coding change: c.*860A>G on transcript NM_000254.3 (MANE Select); 860 bases downstream of the stop codon, A replaced by G.
Molecular consequence: 3 prime UTR variant.
Genome position (GRCh38, 1-based): chr1:236,898,504, A>G. VCF-style: chr1-236898504-A-G. GRCh37 (hg19) VCF-style: chr1-237061804-A-G.
Other names: c.*860A>G (NM_001291939.1, NM_001291940.2).
Identifiers: ClinVar variation 876671 (VCV000876671.4), dbSNP rs539366380, ClinGen allele CA39767659.